The following is an entry in ClinVar:

ClinVar aggregate classification (germline): Pathogenic/Likely pathogenic. Review status: criteria provided, multiple submitters, no conflicts (2 of 4 stars). 9 submissions from 9 submitters: Pathogenic (6); Likely pathogenic (1). 2 of the submissions do not count toward it. Last evaluated 2025-11-09.

Conditions:
TGFBR2-related disorder. Also called: TGFBR2-related condition.
Familial thoracic aortic aneurysm and aortic dissection (TAAD). Also called: Thoracic aortic aneurysms and dissections. Identifiers: Orphanet 91387, MedGen C4707243, MONDO:0019625.
Loeys-Dietz syndrome 2 (LDS2). Also called: TGFBR2-Related Loeys-Dietz Syndrome; Marfan Syndrome type 2; Marfan like connective tissue disorder; MFS 2; Marfan syndrome, type 2 (formerly); AORTIC ANEURYSM, FAMILIAL THORACIC 3. Identifiers: Orphanet 284973, Orphanet 558, MedGen C2674574, MONDO:0012427, OMIM 610168.

Allele frequency attached by ClinVar (database versions not stated): gnomAD exomes below 0.00001.
gnomAD v4.1: 1 of 1,614,084 alleles (0.000062%); highest among the groups gnomAD compares: Non-Finnish European, 0.000085%; no homozygotes.

Submissions (9):

Labcorp Genetics (formerly Invitae), Labcorp
Classification: Pathogenic for Familial thoracic aortic aneurysm and aortic dissection. Last evaluated: 2025-11-09. Review status: criteria provided, single submitter. Criteria: Invitae Variant Classification Sherloc (09022015). Collection method: clinical testing. Allele origin: germline.
Comment: This sequence change replaces arginine, which is basic and polar, with cysteine, which is neutral and slightly polar, at codon 537 of the TGFBR2 protein (p.Arg537Cys). This variant is not present in population databases (gnomAD no frequency). This missense change has been observed in individuals with TGFBR2-related diseases (PMID: 15235604, 18781618, 18827873, 21324918, 25116393, 27112580). It has also been observed to segregate with disease in related individuals. ClinVar contains an entry for this variant (Variation ID: 12507). Invitae Evidence Modeling of protein sequence and biophysical properties (such as structural, functional, and spatial information, amino acid conservation, physicochemical variation, residue mobility, and thermodynamic stability) indicates that this missense variant is expected to disrupt TGFBR2 protein function with a positive predictive value of 95%. Experimental studies have shown that this missense change affects TGFBR2 function (PMID: 15235604, 20829218, 21098638). For these reasons, this variant has been classified as Pathogenic.

Ambry Genetics
Classification: Pathogenic for Familial thoracic aortic aneurysm and aortic dissection. Last evaluated: 2025-08-26. Review status: criteria provided, single submitter. Criteria: Ambry Variant Classification Scheme 2023. Collection method: clinical testing. Allele origin: germline.
Comment: The p.R537C pathogenic mutation (also known as c.1609C>T), located in coding exon 7 of the TGFBR2 gene, results from a C to T substitution at nucleotide position 1609. The arginine at codon 537 is replaced by cysteine, an amino acid with highly dissimilar properties. This variant was reported in individual(s) with features consistent with thoracic aortic aneurysm and dissection (Mizuguchi T et al. Nat Genet, 2004 Aug;36:855-60; Aalberts JJ et al. Neth Heart J, 2008 Sep;16:299-304; Stheneur C et al. Hum Mutat, 2008 Nov;29:E284-95; Edelman JJ et al. Interact Cardiovasc Thorac Surg, 2011 May;12:863-5; Luo M et al. Clin Chim Acta, 2016 May;456:144-148; Somers AE et al. Am J Med Genet A, 2016 07;170:1786-90; Weerakkody R et al. Genet Med, 2018 11;20:1414-1422; Zheng J et al. Int J Legal Med, 2018 Sep;132:1273-1280; Wang Z et al. Biomed Res Int, 2020 Oct;2020:7857043). Additionally, in vitro assays showed this alteration impacts protein function (Mizuguchi T et al. Nat Genet, 2004 Aug;36:855-60; Horbelt D et al. J Cell Sci, 2010 Dec;123:4340-50). This amino acid position is highly conserved in available vertebrate species. In addition, this alteration is predicted to be deleterious by in silico analysis. This variant is considered to be rare based on population cohorts in the Genome Aggregation Database (gnomAD). Based on the supporting evidence, this alteration is interpreted as a disease-causing mutation.

GeneDx
Classification: Pathogenic. Last evaluated: 2023-02-09. Review status: criteria provided, single submitter. Criteria: GeneDx Variant Classification Process June 2021. Collection method: clinical testing. Allele origin: germline. Affected: yes.
Comment: Not observed at significant frequency in large population cohorts (gnomAD); Published functional studies demonstrate a damaging effect as this variant results in severe impairment of TGF-beta signaling activity (Mizuguchi et al., 2004; Horbelt et al., 2010); In silico analysis supports that this missense variant has a deleterious effect on protein structure/function; This variant is associated with the following publications: (PMID: 18827873, 26877057, 20628007, 15235604, 21324918, 21098638, 35753512, 30056620, 33083483, 29543232, 35058154, 27112580, 31915033, 18781618)

Greenwood Genetic Center Diagnostic Laboratories, Greenwood Genetic Center
Classification: Pathogenic for Loeys-Dietz syndrome 2. Last evaluated: 2022-12-27. Review status: criteria provided, single submitter. Criteria: ACMG Guidelines, 2015. Collection method: clinical testing. Allele origin: germline. Affected: yes.
Comment: PS4, PS3, PM5

Blueprint Genetics
Classification: Pathogenic for TGFBR2-related disorders. Last evaluated: 2021-08-05. Review status: criteria provided, single submitter. Criteria: ACMG Guidelines, 2015. Collection method: clinical testing. Allele origin: germline. Affected: yes. Observed: 2 variant alleles.

Centre of Medical Genetics, University of Antwerp
Classification: Likely pathogenic for Loeys-Dietz syndrome 2. Last evaluated: 2021-03-01. Review status: criteria provided, single submitter. Criteria: ACMG Guidelines, 2015. Collection method: research. Allele origin: unknown. Affected: yes.
Comment: PM2, PS1

Molecular Diagnostic Laboratory for Inherited Cardiovascular Disease, Montreal Heart Institute
Classification: Pathogenic. Review status: criteria provided, single submitter. Criteria: ACMG Guidelines, 2015. Collection method: clinical testing. Allele origin: germline. Affected: yes.

OMIM
Classification: Pathogenic for LOEYS-DIETZ SYNDROME 2. Last evaluated: 2004-08-01. Review status: no assertion criteria provided. Collection method: literature only. Allele origin: germline. Not counted in ClinVar's aggregate classification.

Centre for Genomic and Experimental Medicine, University of Edinburgh
Classification: Likely pathogenic for Familial thoracic aortic aneurysm and aortic dissection. Review status: no assertion criteria provided. Collection method: research. Allele origin: unknown. Affected: yes. Not counted in ClinVar's aggregate classification.

Literature cited by the submitters: PubMed 15235604 (cited by 3 submitters); PubMed 18781618 (cited by Labcorp Genetics (formerly Invitae), Labcorp and Ambry Genetics); PubMed 18827873 (cited by Labcorp Genetics (formerly Invitae), Labcorp and Ambry Genetics); PubMed 21324918 (cited by Labcorp Genetics (formerly Invitae), Labcorp and Ambry Genetics); PubMed 25116393 (cited by Labcorp Genetics (formerly Invitae), Labcorp); PubMed 27112580 (cited by Labcorp Genetics (formerly Invitae), Labcorp and Ambry Genetics); PubMed 20829218 (cited by Labcorp Genetics (formerly Invitae), Labcorp); PubMed 21098638 (cited by Labcorp Genetics (formerly Invitae), Labcorp and Ambry Genetics); PubMed 26877057 (cited by Ambry Genetics); PubMed 29543232 (cited by Ambry Genetics); PubMed 30056620 (cited by Ambry Genetics); PubMed 33083483 (cited by Ambry Genetics).

NM_003242.6(TGFBR2):c.1609C>T (p.Arg537Cys)

Gene: TGFBR2 (transforming growth factor beta receptor 2; plus strand). Cytogenetic location: 3p24.1.
Variant type: single nucleotide variant.
Coding change: c.1609C>T on transcript NM_003242.6 (MANE Select); coding-DNA position 1609, C replaced by T.
Protein change: p.Arg537Cys; replaces arginine 537 with cysteine.
Molecular consequence: missense variant.
Genome position (GRCh38, 1-based): chr3:30,691,504, C>T. VCF-style: chr3-30691504-C-T. GRCh37 (hg19) VCF-style: chr3-30732996-C-T.
Other names: p.R537C:CGC>TGC; c.1684C>T, p.Arg562Cys (NM_001024847.3); c.1792C>T, p.Arg598Cys (NM_001407126.1); c.1717C>T, p.Arg573Cys (NM_001407127.1); c.1636C>T, p.Arg546Cys (NM_001407128.1); c.1612C>T, p.Arg538Cys (NM_001407129.1); c.1606C>T, p.Arg536Cys (NM_001407130.1); c.1504C>T, p.Arg502Cys (NM_001407132.1, NM_001407133.1, NM_001407134.1 and 2 more transcripts); and 3 more; short protein forms R537C, R562C, R573C, R598C, R502C, R247C, R417C, R442C.
Identifiers: ClinVar variation 12507 (VCV000012507.40), dbSNP rs104893809, ClinGen allele CA020742.
Genomic context (GRCh38, chr3:30,691,504, plus strand): 5'-TTGACTGAGTGCTGGGACCACGACCCAGAGGCCCGTCTCACAGCCCAGTGTGTGGCAGAA[C>T]GCTTCAGTGAGCTGGAGCATCTGGACAGGCTCTCGGGGAGGAGCTGCTCGGAGGAGAAGA-3'
Protein context (NP_003233.4, residues 527-547): ARLTAQCVAE[Arg537Cys]FSELEHLDRL